The following is an entry in ClinVar:

NM_001372.4(DNAH9):c.7288G>A (p.Glu2430Lys)

Gene: DNAH9 (dynein axonemal heavy chain 9; plus strand). Cytogenetic location: 17p12.
Variant type: single nucleotide variant.
Coding change: c.7288G>A on transcript NM_001372.4 (MANE Select); coding-DNA position 7288, G replaced by A.
Protein change: p.Glu2430Lys; replaces glutamic acid 2430 with lysine.
Molecular consequence: missense variant.
Genome position (GRCh38, 1-based): chr17:11,768,570, G>A. VCF-style: chr17-11768570-G-A. GRCh37 (hg19) VCF-style: chr17-11671887-G-A.
Other names: c.7288G>A (NM_001372.3); short protein forms E2430K.
Identifiers: ClinVar variation 1383382 (VCV001383382.9), dbSNP rs779571503, ClinGen allele CA287986149.

ClinVar aggregate classification (germline): Uncertain significance. Review status: criteria provided, multiple submitters, no conflicts (2 of 4 stars). 2 submissions from 2 submitters: Uncertain significance (2). Last evaluated 2024-04-01.

Conditions:
Inborn genetic diseases. Identifiers: MedGen C0950123, MeSH D030342.

Allele frequency attached by ClinVar (database versions not stated): gnomAD exomes below 0.00001; gnomAD 0.00001; TOPMed 0.00001.
gnomAD v4.1: 22 of 1,613,930 alleles (0.0014%); highest among the groups gnomAD compares: Admixed American, 0.0017%; no homozygotes.

Submissions (2):

Ambry Genetics
Classification: Uncertain significance for Inborn genetic diseases. Last evaluated: 2024-04-01. Review status: criteria provided, single submitter. Criteria: Ambry Variant Classification Scheme 2023. Collection method: clinical testing. Allele origin: germline.

Labcorp Genetics (formerly Invitae), Labcorp
Classification: Uncertain significance. Last evaluated: 2021-07-15. Review status: criteria provided, single submitter. Criteria: Invitae Variant Classification Sherloc (09022015). Collection method: clinical testing. Allele origin: germline.
Comment: Algorithms developed to predict the effect of missense changes on protein structure and function are either unavailable or do not agree on the potential impact of this missense change (SIFT: "Deleterious"; PolyPhen-2: "Benign"; Align-GVGD: "Class C0"). This sequence change replaces glutamic acid with lysine at codon 2430 of the DNAH9 protein (p.Glu2430Lys). The glutamic acid residue is moderately conserved and there is a small physicochemical difference between glutamic acid and lysine. This variant is not present in population databases (ExAC no frequency). This variant has not been reported in the literature in individuals with DNAH9-related conditions. In summary, the available evidence is currently insufficient to determine the role of this variant in disease. Therefore, it has been classified as a Variant of Uncertain Significance.